The following is an entry in ClinVar:

NM_014588.6(VSX1):c.212C>G (p.Ser71Cys)

Gene: VSX1 (visual system homeobox 1; minus strand). Cytogenetic location: 20p11.21.
Variant type: single nucleotide variant.
Coding change: c.212C>G on transcript NM_014588.6 (MANE Select); coding-DNA position 212, C replaced by G.
Protein change: p.Ser71Cys; replaces serine 71 with cysteine.
Molecular consequence: missense variant. On other transcripts: non-coding transcript variant (2).
Genome position (GRCh38, 1-based): chr20:25,081,885, G>C on the plus strand (C>G on the coding strand, the complement: VSX1 is on the minus strand). VCF-style: chr20-25081885-G-C. GRCh37 (hg19) VCF-style: chr20-25062521-G-C.
Other names: c.212C>G, p.Ser71Cys (NM_001256271.2, NM_001256272.2, NM_199425.3); short protein forms S71C.
Identifiers: ClinVar variation 2840556 (VCV002840556.3), dbSNP rs1248366963, ClinGen allele CA408436742.

ClinVar aggregate classification (germline): Uncertain significance (1 of 4 stars; one submission).

Submission:

Labcorp Genetics (formerly Invitae), Labcorp
Classification: Uncertain significance. Last evaluated: 2023-02-24. Review status: criteria provided, single submitter. Criteria: Invitae Variant Classification Sherloc (09022015). Collection method: clinical testing. Allele origin: germline.
Comment: In summary, the available evidence is currently insufficient to determine the role of this variant in disease. Therefore, it has been classified as a Variant of Uncertain Significance. Advanced modeling of protein sequence and biophysical properties (such as structural, functional, and spatial information, amino acid conservation, physicochemical variation, residue mobility, and thermodynamic stability) performed at Invitae indicates that this missense variant is expected to disrupt VSX1 protein function. This variant has not been reported in the literature in individuals affected with VSX1-related conditions. This variant is not present in population databases (gnomAD no frequency). This sequence change replaces serine, which is neutral and polar, with cysteine, which is neutral and slightly polar, at codon 71 of the VSX1 protein (p.Ser71Cys).